The following is an entry in ClinVar:

ClinVar aggregate classification (germline): Uncertain significance (1 of 4 stars; one submission).

Conditions:
Compton-North congenital myopathy (CMYO12). Identifiers: Orphanet 210163, MedGen C2675527, MONDO:0012929, OMIM 612540.

Allele frequency attached by ClinVar (database versions not stated): gnomAD 0.00001; gnomAD exomes 0.00001.
gnomAD v4.1: 20 of 1,613,754 alleles (0.0012%); highest among the groups gnomAD compares: Non-Finnish European, 0.0016%; no homozygotes.

Submission:

Labcorp Genetics (formerly Invitae), Labcorp
Classification: Uncertain significance for Compton-North congenital myopathy. Last evaluated: 2023-04-24. Review status: criteria provided, single submitter. Criteria: Invitae Variant Classification Sherloc (09022015). Collection method: clinical testing. Allele origin: germline.
Comment: In summary, the available evidence is currently insufficient to determine the role of this variant in disease. Therefore, it has been classified as a Variant of Uncertain Significance. Advanced modeling of protein sequence and biophysical properties (such as structural, functional, and spatial information, amino acid conservation, physicochemical variation, residue mobility, and thermodynamic stability) performed at Invitae indicates that this missense variant is not expected to disrupt CNTN1 protein function. ClinVar contains an entry for this variant (Variation ID: 2042575). This variant has not been reported in the literature in individuals affected with CNTN1-related conditions. This variant is present in population databases (no rsID available, gnomAD 0.002%). This sequence change replaces methionine, which is neutral and non-polar, with threonine, which is neutral and polar, at codon 420 of the CNTN1 protein (p.Met420Thr).

NM_001843.4(CNTN1):c.1259T>C (p.Met420Thr)

Gene: CNTN1 (contactin 1; plus strand). Cytogenetic location: 12q12.
Variant type: single nucleotide variant.
Coding change: c.1259T>C on transcript NM_001843.4 (MANE Select); coding-DNA position 1259, T replaced by C.
Protein change: p.Met420Thr; replaces methionine 420 with threonine.
Molecular consequence: missense variant.
Genome position (GRCh38, 1-based): chr12:40,939,365, T>C. VCF-style: chr12-40939365-T-C. GRCh37 (hg19) VCF-style: chr12-41333167-T-C.
Other names: c.1259T>C, p.Met420Thr (NM_001256063.2, NM_001256064.2); c.1226T>C, p.Met409Thr (NM_175038.2); short protein forms M409T, M420T.
Identifiers: ClinVar variation 2042575 (VCV002042575.2), dbSNP rs1362832025, ClinGen allele CA384424210.
Genomic context (GRCh38, chr12:40,939,365, plus strand): 5'-GAGAAAGATAACAATTTGTTTTCTTTTTAGCGTTGGCTCCAACTTTTGAAATGAATCCTA[T>C]GAAGAAAAAGATCCTGGCTGCTAAAGGTGGAAGGGTGATAATTGAATGCAAACCTAAAGC-3'
Protein context (NP_001834.2, residues 410-430): ALAPTFEMNP[Met420Thr]KKKILAAKGG